The following is an entry in ClinVar:

ClinVar aggregate classification (germline): Uncertain significance (1 of 4 stars; one submission).

Conditions:
Autosomal recessive distal spinal muscular atrophy 1. Also called: NEURONOPATHY, SEVERE INFANTILE AXONAL, WITH RESPIRATORY FAILURE; SEVERE INFANTILE AXONAL NEUROPATHY WITH RESPIRATORY FAILURE; SPINAL MUSCULAR ATROPHY, DIAPHRAGMATIC; NEURONOPATHY, DISTAL HEREDITARY MOTOR, HARDING TYPE VI; NEUROPATHY, DISTAL HEREDITARY MOTOR, AUTOSOMAL RECESSIVE 1; Spinal muscular atrophy with respiratory distress 1. Identifiers: Orphanet 98920, MedGen C1858517, MONDO:0011436, OMIM 604320.
Charcot-Marie-Tooth disease axonal type 2S. Also called: CHARCOT-MARIE-TOOTH DISEASE, AXONAL, AUTOSOMAL RECESSIVE, TYPE 2S; CHARCOT-MARIE-TOOTH NEUROPATHY, TYPE 2S. Identifiers: Orphanet 443073, MedGen C4015349, MONDO:0014511, OMIM 616155.

Allele frequency attached by ClinVar (database versions not stated): TOPMed 0.00001.

Submission:

Labcorp Genetics (formerly Invitae), Labcorp
Classification: Uncertain significance for Autosomal recessive distal spinal muscular atrophy 1; Charcot-Marie-Tooth disease axonal type 2S. Last evaluated: 2021-11-04. Review status: criteria provided, single submitter. Criteria: Invitae Variant Classification Sherloc (09022015). Collection method: clinical testing. Allele origin: germline.
Comment: In summary, the available evidence is currently insufficient to determine the role of this variant in disease. Therefore, it has been classified as a Variant of Uncertain Significance. Advanced modeling of protein sequence and biophysical properties (such as structural, functional, and spatial information, amino acid conservation, physicochemical variation, residue mobility, and thermodynamic stability) performed at Invitae indicates that this missense variant is not expected to disrupt IGHMBP2 protein function. This variant has not been reported in the literature in individuals affected with IGHMBP2-related conditions. This variant is not present in population databases (gnomAD no frequency). This sequence change replaces valine, which is neutral and non-polar, with isoleucine, which is neutral and non-polar, at codon 52 of the IGHMBP2 protein (p.Val52Ile).

NM_002180.3(IGHMBP2):c.154G>A (p.Val52Ile)

Gene: IGHMBP2 (immunoglobulin mu DNA binding protein 2; plus strand). Cytogenetic location: 11q13.3.
Variant type: single nucleotide variant.
Coding change: c.154G>A on transcript NM_002180.3 (MANE Select); coding-DNA position 154, G replaced by A.
Protein change: p.Val52Ile; replaces valine 52 with isoleucine.
Molecular consequence: missense variant.
Genome position (GRCh38, 1-based): chr11:68,906,136, G>A. VCF-style: chr11-68906136-G-A. GRCh37 (hg19) VCF-style: chr11-68673604-G-A.
Other names: short protein forms V52I.
Identifiers: ClinVar variation 1511210 (VCV001511210.6), dbSNP rs926718557, ClinGen allele CA223383633.